The following is an entry in ClinVar:

NM_153460.4(IL17RC):c.728A>C (p.Gln243Pro)

Gene: IL17RC (interleukin 17 receptor C; plus strand). Cytogenetic location: 3p25.3.
Variant type: single nucleotide variant.
Coding change: c.728A>C on transcript NM_153460.4 (MANE Select); coding-DNA position 728, A replaced by C.
Protein change: p.Gln243Pro; replaces glutamine 243 with proline.
Molecular consequence: missense variant. On other transcripts: non-coding transcript variant (1), intron variant (1).
Genome position (GRCh38, 1-based): chr3:9,923,986, A>C. VCF-style: chr3-9923986-A-C. GRCh37 (hg19) VCF-style: chr3-9965670-A-C.
Other names: c.728A>C, p.Gln243Pro (NM_001203263.2, NM_001203264.2); c.683A>C, p.Gln228Pro (NM_001203265.2, NM_001367280.1, NM_001410711.1 and 1 more transcripts); c.608A>C, p.Gln203Pro (NM_001367279.1); c.941A>C, p.Gln314Pro (NM_153461.4); c.723+5A>C (NM_001367278.1); c.941A>C (NM_153461.3); short protein forms Q203P, Q228P, Q314P, Q243P.
Identifiers: ClinVar variation 2844463 (VCV002844463.4), dbSNP rs200210312, ClinGen allele CA70015711.
Genomic context (GRCh38, chr3:9,923,986, plus strand): 5'-TGGTTCTGAATGTCTCTGAGGAGCAGCACTTCGGCCTCTCCCTGTACTGGAATCAGGTCC[A>C]GGGCCCCCCAAAACCCCGGTGGCACAAAAACCTGGTGAGGCCTCCCCCTTCCCAAGTCCA-3'
Protein context (NP_703190.2, residues 233-253): FGLSLYWNQV[Gln243Pro]GPPKPRWHKN

ClinVar aggregate classification (germline): Uncertain significance. Review status: criteria provided, multiple submitters, no conflicts (2 of 4 stars). 2 submissions from 2 submitters: Uncertain significance (2). Last evaluated 2025-09-26.

Conditions:
Candidiasis, familial, 9 (CANDF9). Identifiers: Orphanet 1334, MedGen C4225324, MONDO:0014642, OMIM 616445.

Allele frequency attached by ClinVar (database versions not stated): TOPMed below 0.00001; gnomAD exomes below 0.00001; gnomAD 0.00001.
gnomAD v4.1: 7 of 1,614,014 alleles (0.00043%); highest among the groups gnomAD compares: Non-Finnish European, 0.00059%; no homozygotes.

Submissions (2):

Labcorp Genetics (formerly Invitae), Labcorp
Classification: Uncertain significance for Candidiasis, familial, 9. Last evaluated: 2025-09-26. Review status: criteria provided, single submitter. Criteria: Invitae Variant Classification Sherloc (09022015). Collection method: clinical testing. Allele origin: germline.
Comment: This sequence change replaces glutamine, which is neutral and polar, with proline, which is neutral and non-polar, at codon 314 of the IL17RC protein (p.Gln314Pro). This variant is present in population databases (rs200210312, gnomAD 0.0009%). This variant has not been reported in the literature in individuals affected with IL17RC-related conditions. ClinVar contains an entry for this variant (Variation ID: 2844463). An algorithm developed to predict the effect of missense changes on protein structure and function outputs the following: PolyPhen-2: "Benign". The proline amino acid residue is found in multiple mammalian species, which suggests that this missense change does not adversely affect protein function. In summary, the available evidence is currently insufficient to determine the role of this variant in disease. Therefore, it has been classified as a Variant of Uncertain Significance.

Ambry Genetics
Classification: Uncertain significance. Last evaluated: 2023-12-30. Review status: criteria provided, single submitter. Criteria: Ambry Variant Classification Scheme 2023. Collection method: clinical testing. Allele origin: germline.